The following is an entry in ClinVar:

ClinVar aggregate classification (germline): Conflicting classifications of pathogenicity. Review status: criteria provided, conflicting classifications (1 of 4 stars). 7 submissions from 7 submitters: Uncertain significance (6); Likely benign (1). Last evaluated 2024-07-19.

Conditions:
Hereditary breast ovarian cancer syndrome. Also called: Breast and ovarian cancer; Hereditary breast and/or ovarian cancer syndrome; BRCA1- and BRCA2-Associated Hereditary Breast and Ovarian Cancer; Hereditary breast and ovarian cancer syndrome; Hereditary breast and ovarian cancer syndrome (HBOC); Hereditary breast and ovarian cancer. Identifiers: Orphanet 145, MedGen C0677776, MeSH D061325, MONDO:0003582. Disease mechanism: loss of function.
Breast-ovarian cancer, familial, susceptibility to, 1 (BROVCA1). Also called: BRCA1 Hereditary Breast and Ovarian Cancer; OVARIAN CANCER, SUSCEPTIBILITY TO. Identifiers: Orphanet 145, MedGen C2676676, MONDO:0011450, OMIM 604370. Disease mechanism: loss of function.
Hereditary cancer-predisposing syndrome. Also called: Tumor predisposition; Hereditary Cancer Syndrome; Hereditary neoplastic syndrome; Neoplastic Syndromes, Hereditary. Identifiers: Orphanet 140162, MedGen C0027672, MeSH D009386, MONDO:0015356.

gnomAD v4.1: 1 of 1,614,046 alleles (0.000062%); highest among the groups gnomAD compares: African/African-American, 0.0013%; no homozygotes.

Submissions (7):

Labcorp Genetics (formerly Invitae), Labcorp
Classification: Uncertain significance for Hereditary breast ovarian cancer syndrome. Last evaluated: 2024-07-19. Review status: criteria provided, single submitter. Criteria: Invitae Variant Classification Sherloc (09022015). Collection method: clinical testing. Allele origin: germline.
Comment: This sequence change replaces aspartic acid, which is acidic and polar, with histidine, which is basic and polar, at codon 1152 of the BRCA1 protein (p.Asp1152His). This variant is not present in population databases (gnomAD no frequency). This variant has not been reported in the literature in individuals affected with BRCA1-related conditions. ClinVar contains an entry for this variant (Variation ID: 496367). Advanced modeling of protein sequence and biophysical properties (such as structural, functional, and spatial information, amino acid conservation, physicochemical variation, residue mobility, and thermodynamic stability) performed at Invitae indicates that this missense variant is not expected to disrupt BRCA1 protein function with a negative predictive value of 95%. In summary, the available evidence is currently insufficient to determine the role of this variant in disease. Therefore, it has been classified as a Variant of Uncertain Significance.

All of Us Research Program, National Institutes of Health
Classification: Uncertain significance for Breast-ovarian cancer, familial, susceptibility to, 1. Last evaluated: 2023-12-18. Review status: criteria provided, single submitter. Criteria: ACMG Guidelines, 2015. Collection method: clinical testing. Allele origin: germline. Inheritance: Autosomal dominant inheritance. Observed: 1 variant allele, 1 heterozygote.
Comment: This missense variant replaces aspartic acid with histidine at codon 1152 of the BRCA1 protein. Computational prediction is inconclusive regarding the impact of this variant on protein structure and function. To our knowledge, functional studies have not been reported for this variant. This variant has not been reported in individuals affected with BRCA1-related disorders in the literature. This variant has not been identified in the general population by the Genome Aggregation Database (gnomAD). The available evidence is insufficient to determine the role of this variant in disease conclusively. Therefore, this variant is classified as a Variant of Uncertain Significance.

This study involves interpretation of variants in research participants for the purpose of population health screening. Participant phenotype was not available at the time of variant classification. Additional details can be found in publication PMID: 35346344, PMCID: PMC8962531

Color Diagnostics, LLC DBA Color Health
Classification: Uncertain significance for Hereditary cancer-predisposing syndrome. Last evaluated: 2023-11-29. Review status: criteria provided, single submitter. Criteria: ACMG Guidelines, 2015. Collection method: clinical testing. Allele origin: germline.
Comment: This missense variant replaces aspartic acid with histidine at codon 1152 of the BRCA1 protein. Computational prediction is inconclusive regarding the impact of this variant on protein structure and function. To our knowledge, functional studies have not been reported for this variant. This variant has not been reported in individuals affected with BRCA1-related disorders in the literature. This variant has not been identified in the general population by the Genome Aggregation Database (gnomAD). The available evidence is insufficient to determine the role of this variant in disease conclusively. Therefore, this variant is classified as a Variant of Uncertain Significance.

Ambry Genetics
Classification: Uncertain significance for Hereditary cancer-predisposing syndrome. Last evaluated: 2023-08-14. Review status: criteria provided, single submitter. Criteria: Ambry Variant Classification Scheme 2023. Collection method: clinical testing. Allele origin: germline.
Comment: The p.D1152H variant (also known as c.3454G>C), located in coding exon 9 of the BRCA1 gene, results from a G to C substitution at nucleotide position 3454. The aspartic acid at codon 1152 is replaced by histidine, an amino acid with similar properties. This amino acid position is well conserved in available vertebrate species. In addition, the in silico prediction for this alteration is inconclusive. Since supporting evidence is limited at this time, the clinical significance of this alteration remains unclear.

University of Washington Department of Laboratory Medicine, University of Washington
Classification: Likely benign for Hereditary cancer-predisposing syndrome. Last evaluated: 2023-03-23. Review status: criteria provided, single submitter. Criteria: Dines et al. (Genet Med. 2020). Collection method: curation. Allele origin: germline.
Comment: Missense variant in a coldspot region where missense variants are very unlikely to be pathogenic (PMID:31911673).

BRCA1 coldspot (exon 11 using historical exon numbering). Reclassification based on statistical prior probability

Women's Health and Genetics/Laboratory Corporation of America, LabCorp
Classification: Uncertain significance. Last evaluated: 2021-09-07. Review status: criteria provided, single submitter. Criteria: LabCorp Variant Classification Summary - May 2015. Collection method: clinical testing. Allele origin: germline.
Comment: Variant summary: BRCA1 c.3454G>C (p.Asp1152His) results in a non-conservative amino acid change in the encoded protein sequence. Four of five in-silico tools predict a damaging effect of the variant on protein function. The variant was absent in 251258 control chromosomes. The available data on variant occurrences in the general population are insufficient to allow any conclusion about variant significance. To our knowledge, no occurrence of c.3454G>C in individuals affected with Hereditary Breast And Ovarian Cancer Syndrome and no experimental evidence demonstrating its impact on protein function have been reported. Two clinical diagnostic laboratories have submitted clinical-significance assessments for this variant to ClinVar after 2014 without evidence for independent evaluation. Both laboratories classified the variant as uncertain significance. Based on the evidence outlined above, the variant was classified as uncertain significance.

GeneDx
Classification: Uncertain significance. Last evaluated: 2019-08-14. Review status: criteria provided, single submitter. Criteria: GeneDx Variant Classification Process June 2021. Collection method: clinical testing. Allele origin: germline. Affected: yes.
Comment: Not observed in large population cohorts (Lek 2016); In silico analysis, which includes protein predictors and evolutionary conservation, supports a deleterious effect; Has not been previously published as pathogenic or benign to our knowledge

NM_007294.4(BRCA1):c.3454G>C (p.Asp1152His)

Genes: BRCA1 (BRCA1 DNA repair associated; minus strand), LOC126862571 (BRD4-independent group 4 enhancer GRCh37_chr17:41243136-41244335; plus strand). Cytogenetic location: 17q21.31.
Variant type: single nucleotide variant.
Coding change: c.3454G>C on transcript NM_007294.4 (MANE Select); coding-DNA position 3454, G replaced by C.
Protein change: p.Asp1152His; replaces aspartic acid 1152 with histidine.
Molecular consequence: missense variant. On other transcripts: intron variant (135).
Genome position (GRCh38, 1-based): chr17:43,092,077, C>G on the plus strand (G>C on the coding strand, the complement: BRCA1 is on the minus strand). VCF-style: chr17-43092077-C-G. GRCh37 (hg19) VCF-style: chr17-41244094-C-G.
Other names: c.3331G>C, p.Asp1111His (NM_001407682.1, NM_001407683.1, NM_001407863.1 and 19 more transcripts); c.3454G>C, p.Asp1152His (NM_001407684.1, NM_001407854.1, NM_001407858.1 and 30 more transcripts); c.3328G>C, p.Asp1110His (NM_001407685.1, NM_001407686.1, NM_001407687.1 and 11 more transcripts); c.3313G>C, p.Asp1105His (NM_001407692.1, NM_001407694.1, NM_001407695.1 and 29 more transcripts); c.3310G>C, p.Asp1104His (NM_001407740.1, NM_001407741.1, NM_001407742.1 and 20 more transcripts); c.3241G>C, p.Asp1081His (NM_001407853.1, NM_001407894.1, NM_001407895.1 and 9 more transcripts); c.3451G>C, p.Asp1151His (NM_001407860.1, NM_001407861.1, NM_001407587.1 and 22 more transcripts); c.3253G>C, p.Asp1085His (NM_001407862.1); and 41 more; short protein forms D1152H, D1105H, D1081H, D1085H, D1110H, D1041H, D1082H, D1084H.
Identifiers: ClinVar variation 496367 (VCV000496367.20), dbSNP rs80357175, ClinGen allele CA10595076.